The following is an entry in ClinVar:

ClinVar aggregate classification (germline): Uncertain significance (1 of 4 stars; one submission).

Conditions:
Neuroblastoma, susceptibility to, 3. Also called: ALK-Related Neuroblastic Tumor Susceptibility. Identifiers: Orphanet 635, MedGen C2751681, MONDO:0013083, OMIM 613014.

Allele frequency attached by ClinVar (database versions not stated): gnomAD exomes below 0.00001.

Submission:

Labcorp Genetics (formerly Invitae), Labcorp
Classification: Uncertain significance for Neuroblastoma, susceptibility to, 3. Last evaluated: 2023-07-07. Review status: criteria provided, single submitter. Criteria: Invitae Variant Classification Sherloc (09022015). Collection method: clinical testing. Allele origin: germline.
Comment: In summary, the available evidence is currently insufficient to determine the role of this variant in disease. Therefore, it has been classified as a Variant of Uncertain Significance. Variants that disrupt the consensus splice site are a relatively common cause of aberrant splicing (PMID: 17576681, 9536098). An algorithm developed to predict the effect of missense changes on protein structure and function (PolyPhen-2) suggests that this variant is likely to be tolerated. This variant has not been reported in the literature in individuals affected with ALK-related conditions. This variant is present in population databases (no rsID available, gnomAD 0.003%). This sequence change replaces glycine, which is neutral and non-polar, with serine, which is neutral and polar, at codon 263 of the ALK protein (p.Gly263Ser). This variant also falls at the last nucleotide of exon 2, which is part of the consensus splice site for this exon.

Literature cited by the submitters: PubMed 17576681; PubMed 9536098.

NM_004304.5(ALK):c.787G>A (p.Gly263Ser)

Gene: ALK (ALK receptor tyrosine kinase; minus strand). Cytogenetic location: 2p23.2.
Variant type: single nucleotide variant.
Coding change: c.787G>A on transcript NM_004304.5 (MANE Select); coding-DNA position 787, G replaced by A.
Protein change: p.Gly263Ser; replaces glycine 263 with serine.
Molecular consequence: missense variant.
Genome position (GRCh38, 1-based): chr2:29,717,578, C>T on the plus strand (G>A on the coding strand, the complement: ALK is on the minus strand). VCF-style: chr2-29717578-C-T. GRCh37 (hg19) VCF-style: chr2-29940444-C-T.
Other names: short protein forms G263S.
Identifiers: ClinVar variation 2737206 (VCV002737206.3), dbSNP rs1361568932, ClinGen allele CA346587609.